The following is an entry in ClinVar:

NM_032273.4(TMEM126A):c.164G>A (p.Arg55Gln)

Gene: TMEM126A (transmembrane protein 126A; plus strand). Cytogenetic location: 11q14.1.
Variant type: single nucleotide variant.
Coding change: c.164G>A on transcript NM_032273.4 (MANE Select); coding-DNA position 164, G replaced by A.
Protein change: p.Arg55Gln; replaces arginine 55 with glutamine.
Molecular consequence: missense variant. On other transcripts: 5 prime UTR variant (1).
Genome position (GRCh38, 1-based): chr11:85,654,140, G>A. VCF-style: chr11-85654140-G-A. GRCh37 (hg19) VCF-style: chr11-85365184-G-A.
Other names: c.-47G>A (NM_001244735.2); short protein forms R55Q.
Identifiers: ClinVar variation 1494580 (VCV001494580.6), dbSNP rs888552081, ClinGen allele CA225302646.
Genomic context (GRCh38, chr11:85,654,140, plus strand): 5'-GATCGGTTTATGTTGGATTAAATGCTGCTCTTTGTGGCCTCATAGCAAACAGTCTTTTTC[G>A]ACGCATCTTGAATGTGACAAAGGCTCGCATAGCTGCTGGCTTACCAATGGCAGGGATACC-3'
Protein context (NP_115649.1, residues 45-65): LCGLIANSLF[Arg55Gln]RILNVTKARI

ClinVar aggregate classification (germline): Uncertain significance. Review status: criteria provided, multiple submitters, no conflicts (2 of 4 stars). 2 submissions from 2 submitters: Uncertain significance (2). Last evaluated 2023-09-18.

Allele frequency attached by ClinVar (database versions not stated): gnomAD exomes below 0.00001; gnomAD 0.00001; TOPMed 0.00002.
gnomAD v4.1: 13 of 1,613,984 alleles (0.00081%); highest among the groups gnomAD compares: Admixed American, 0.0033%; no homozygotes.

Submissions (2):

Blueprint Genetics
Classification: Uncertain significance. Last evaluated: 2023-09-18. Review status: criteria provided, single submitter. Criteria: ACMG Guidelines, 2015. Collection method: clinical testing. Allele origin: germline.

Labcorp Genetics (formerly Invitae), Labcorp
Classification: Uncertain significance. Last evaluated: 2022-07-17. Review status: criteria provided, single submitter. Criteria: Invitae Variant Classification Sherloc (09022015). Collection method: clinical testing. Allele origin: germline.
Comment: This sequence change replaces arginine, which is basic and polar, with glutamine, which is neutral and polar, at codon 55 of the TMEM126A protein (p.Arg55Gln). This variant is present in population databases (no rsID available, gnomAD 0.01%). This variant has not been reported in the literature in individuals affected with TMEM126A-related conditions. ClinVar contains an entry for this variant (Variation ID: 1494580). Algorithms developed to predict the effect of missense changes on protein structure and function (SIFT, PolyPhen-2, Align-GVGD) all suggest that this variant is likely to be disruptive. In summary, the available evidence is currently insufficient to determine the role of this variant in disease. Therefore, it has been classified as a Variant of Uncertain Significance.